The following is an entry in ClinVar:

ClinVar aggregate classification (germline): Conflicting classifications of pathogenicity. Review status: criteria provided, conflicting classifications (1 of 4 stars). 8 submissions from 7 submitters: Uncertain significance (2); Benign (2); Likely benign (4). Last evaluated 2026-01-31.

Conditions:
Type 2 collagenopathy. Identifiers: Orphanet 93421, MedGen C2931073, MONDO:0022800.
Stickler syndrome type 1 (STL1). Also called: ARTHROOPHTHALMOPATHY, HEREDITARY PROGRESSIVE; STICKLER SYNDROME, MEMBRANOUS VITREOUS TYPE; STICKLER SYNDROME, VITREOUS TYPE 1; COL2A1-Related Stickler Syndrome. Identifiers: Orphanet 828, Orphanet 90653, MedGen C2020284, MONDO:0007160, OMIM 108300.
Connective tissue disorder. Also called: Connective tissue disease. Identifiers: MedGen C0009782, MONDO:0003900.

Allele frequency attached by ClinVar (database versions not stated): TOPMed 0.00032; gnomAD 0.00033 and 0.00035; gnomAD exomes 0.00039; ExAC 0.00047; ESP Exome Variant Server 0.00054.
gnomAD v4.1: 1,066 of 1,614,086 alleles (0.066%); highest among the groups gnomAD compares: Non-Finnish European, 0.086%; 4 homozygotes.

Submissions (8):

Labcorp Genetics (formerly Invitae), Labcorp
Classification: Benign. Last evaluated: 2026-01-31. Review status: criteria provided, single submitter. Criteria: Invitae Variant Classification Sherloc (09022015). Collection method: clinical testing. Allele origin: germline.

Blueprint Genetics
Classification: Likely benign. Last evaluated: 2024-09-25. Review status: criteria provided, single submitter. Criteria: ACMG Guidelines, 2015. Collection method: clinical testing. Allele origin: germline.

GeneDx
Classification: Likely benign. Last evaluated: 2021-09-28. Review status: criteria provided, single submitter. Criteria: GeneDx Variant Classification Process June 2021. Collection method: clinical testing. Allele origin: germline. Affected: yes.

Genome Diagnostics Laboratory, The Hospital for Sick Children
Classification: Likely benign for Connective tissue disorder. Last evaluated: 2021-06-18. Review status: criteria provided, single submitter. Criteria: ACMG Guidelines, 2015. Collection method: clinical testing. Allele origin: germline.

Illumina Laboratory Services, Illumina
Classification: Benign for Type II Collagenopathies. Last evaluated: 2018-01-13. Review status: criteria provided, single submitter. Criteria: ICSL Variant Classification Criteria 13 December 2019. Collection method: clinical testing. Allele origin: germline.
Comment: This variant was observed in the ICSL laboratory as part of a predisposition screen in an ostensibly healthy population. It had not been previously curated by ICSL or reported in the Human Gene Mutation Database (HGMD: prior to June 1st, 2018), and was therefore a candidate for classification through an automated scoring system. Utilizing variant allele frequency, disease prevalence and penetrance estimates, and inheritance mode, an automated score was calculated to assess if this variant is too frequent to cause the disease. Based on the score and internal cut-off values, a variant classified as benign is not then subjected to further curation. The score for this variant resulted in a classification of benign for this disease.

Illumina Laboratory Services, Illumina
Classification: Uncertain significance for Stickler syndrome type 1. Last evaluated: 2018-01-13. Review status: criteria provided, single submitter. Criteria: ICSL Variant Classification Criteria 13 December 2019. Collection method: clinical testing. Allele origin: germline.

ARUP Laboratories, Molecular Genetics and Genomics, ARUP Laboratories
Classification: Likely benign. Last evaluated: 2017-10-23. Review status: criteria provided, single submitter. Criteria: ARUP Molecular Germline Variant Investigation Process. Collection method: clinical testing. Allele origin: germline.

Eurofins Ntd Llc (ga)
Classification: Uncertain significance. Last evaluated: 2017-10-23. Review status: criteria provided, single submitter. Criteria: EGL Classification Definitions 2015. Collection method: clinical testing. Allele origin: germline. Observed: 1 variant allele, 1 heterozygote.

NM_001844.5(COL2A1):c.4116C>T (p.Asn1372=)

Gene: COL2A1 (collagen type II alpha 1 chain; minus strand). Cytogenetic location: 12q13.11.
Variant type: single nucleotide variant.
Coding change: c.4116C>T on transcript NM_001844.5 (MANE Select); coding-DNA position 4116, C replaced by T.
Protein change: p.Asn1372=; no amino-acid change (asparagine 1372 retained).
Molecular consequence: synonymous variant.
Genome position (GRCh38, 1-based): chr12:47,974,290, G>A on the plus strand (C>T on the coding strand, the complement: COL2A1 is on the minus strand). VCF-style: chr12-47974290-G-A. GRCh37 (hg19) VCF-style: chr12-48368073-G-A.
Other names: c.3909C>T, p.Asn1303= (NM_033150.3).
Identifiers: ClinVar variation 594357 (VCV000594357.34), dbSNP rs150237416, ClinGen allele CA6534532.